The following is an entry in ClinVar:

ClinVar aggregate classification (germline): Benign/Likely benign. Review status: criteria provided, multiple submitters, no conflicts (2 of 4 stars). 12 submissions from 12 submitters: Benign (3); Likely benign (6). 3 of the submissions do not count toward it. Last evaluated 2026-09-21.

Conditions:
Ehlers-Danlos syndrome (EDS). Identifiers: Orphanet 98249, MedGen C0013720, MONDO:0020066.
COL5A2-related disorder. Also called: COL5A2-related condition.
Ehlers-Danlos syndrome, classic type, 1 (EDSCL1). Also called: Ehlers-Danlos syndrome, type 1; EHLERS-DANLOS SYNDROME, GRAVIS TYPE; EHLERS-DANLOS SYNDROME, SEVERE CLASSIC TYPE; Ehlers-Danlos Syndrome, Classic Type, COL5A1-Related; EDS I. Identifiers: MedGen C0268335, MONDO:0019567, OMIM 130000.
Ehlers-Danlos syndrome, classic type, 2 (EDSCL2). Also called: Ehlers-Danlos syndrome type 2 (formerly); Ehlers-Danlos syndrome, type 2; Ehlers-Danlos Syndrome, Classic Type, COL5A2-Related. Identifiers: Orphanet 287, Orphanet 90318, MedGen C0268336, MONDO:0019568, OMIM 130010.
Connective tissue disorder. Also called: Connective tissue disease. Identifiers: MedGen C0009782, MONDO:0003900.
Familial thoracic aortic aneurysm and aortic dissection (TAAD). Also called: Thoracic aortic aneurysms and dissections. Identifiers: Orphanet 91387, MedGen C4707243, MONDO:0019625.

Allele frequency attached by ClinVar (database versions not stated): 1000 Genomes Project 30x 0.00016; 1000 Genomes Project 0.00020; ESP Exome Variant Server 0.00085; ExAC 0.00099; gnomAD 0.00111 and 0.00120; gnomAD exomes 0.00126 and 0.00142; TOPMed 0.00132.
gnomAD v4.1: 2,054 of 1,613,852 alleles (0.13%); highest among the groups gnomAD compares: Admixed American, 0.19%; 6 homozygotes.

Submissions (12):

Molecular Diagnostic Laboratory for Inherited Cardiovascular Disease, Montreal Heart Institute
Classification: Likely benign. Last evaluated: 2026-09-21. Review status: criteria provided, single submitter. Criteria: ACMG Guidelines, 2015. Collection method: clinical testing. Allele origin: germline. Affected: no.
Comment: BS1, BP4

CeGaT Center for Human Genetics Tuebingen
Classification: Likely benign. Last evaluated: 2026-08-01. Review status: criteria provided, single submitter. Criteria: CeGaT Center For Human Genetics Tuebingen Variant Classification Criteria Version 2. Collection method: clinical testing. Allele origin: germline. Affected: yes. Observed: 4 variant alleles.
Comment: COL5A2: PP2, BP4, BS1

Labcorp Genetics (formerly Invitae), Labcorp
Classification: Likely benign for Ehlers-Danlos syndrome, classic type, 1. Last evaluated: 2026-02-01. Review status: criteria provided, single submitter. Criteria: Invitae Variant Classification Sherloc (09022015). Collection method: clinical testing. Allele origin: germline.

Women's Health and Genetics/Laboratory Corporation of America, LabCorp
Classification: Likely benign. Last evaluated: 2023-11-13. Review status: criteria provided, single submitter. Criteria: LabCorp Variant Classification Summary - May 2015. Collection method: clinical testing. Allele origin: germline.

Genome Diagnostics Laboratory, The Hospital for Sick Children
Classification: Likely benign for Ehlers-Danlos syndrome. Last evaluated: 2019-12-01. Review status: criteria provided, single submitter. Criteria: ACMG Guidelines, 2015. Collection method: clinical testing. Allele origin: germline.

Illumina Laboratory Services, Illumina
Classification: Benign for Ehlers-Danlos syndrome, classic type, 2. Last evaluated: 2018-03-07. Review status: criteria provided, single submitter. Criteria: ICSL Variant Classification Criteria 13 December 2019. Collection method: clinical testing. Allele origin: germline.
Comment: This variant was observed as part of a predisposition screen in an ostensibly healthy population. A literature search was performed for the gene, cDNA change, and amino acid change (where applicable). Publications were found based on this search. The evidence from the literature, in combination with allele frequency data from public databases where available, was sufficient to rule this variant out of causing disease. Therefore, this variant is classified as benign.

GeneDx
Classification: Benign. Last evaluated: 2018-01-17. Review status: criteria provided, single submitter. Criteria: GeneDx Variant Classification Process June 2021. Collection method: clinical testing. Allele origin: germline. Affected: yes.
Comment: This variant is associated with the following publications: (PMID: 11940702, 28152038, 26608033, 28550590)

Ambry Genetics
Classification: Benign for Familial thoracic aortic aneurysm and aortic dissection. Last evaluated: 2017-12-27. Review status: criteria provided, single submitter. Criteria: Ambry Variant Classification Scheme 2023. Collection method: clinical testing. Allele origin: germline.

Center for Human Genetics, Inc
Classification: Likely benign for Connective tissue disorder. Last evaluated: 2016-11-01. Review status: criteria provided, single submitter. Criteria: ACMG Guidelines, 2015. Collection method: clinical testing. Allele origin: germline. Affected: yes.

PreventionGenetics, part of Exact Sciences
Classification: Benign for COL5A2-related condition. Last evaluated: 2020-06-23. Review status: no assertion criteria provided. Collection method: clinical testing. Allele origin: germline. Not counted in ClinVar's aggregate classification.
Comment: This variant is classified as benign based on ACMG/AMP sequence variant interpretation guidelines (Richards et al. 2015 PMID: 25741868, with internal and published modifications).

Clinical Genetics DNA and cytogenetics Diagnostics Lab, Erasmus MC, Erasmus Medical Center
Classification: Benign. Review status: no assertion criteria provided. Collection method: clinical testing. Allele origin: germline. Affected: yes. Study: VKGL Data-share Consensus. Not counted in ClinVar's aggregate classification.

Genome Diagnostics Laboratory, Amsterdam University Medical Center
Classification: Likely benign. Review status: no assertion criteria provided. Collection method: clinical testing. Allele origin: germline. Affected: yes. Study: VKGL Data-share Consensus. Not counted in ClinVar's aggregate classification.

Literature cited by the submitters: PubMed 28550590 (cited by Illumina Laboratory Services, Illumina); PubMed 2855059 (cited by Illumina Laboratory Services, Illumina).

NM_000393.5(COL5A2):c.4240G>A (p.Asp1414Asn)

Gene: COL5A2 (collagen type V alpha 2 chain; minus strand). Cytogenetic location: 2q32.2.
Variant type: single nucleotide variant.
Coding change: c.4240G>A on transcript NM_000393.5 (MANE Select); coding-DNA position 4240, G replaced by A.
Protein change: p.Asp1414Asn; replaces aspartic acid 1414 with asparagine.
Molecular consequence: missense variant.
Genome position (GRCh38, 1-based): chr2:189,035,029, C>T on the plus strand (G>A on the coding strand, the complement: COL5A2 is on the minus strand). VCF-style: chr2-189035029-C-T. GRCh37 (hg19) VCF-style: chr2-189899755-C-T.
Other names: p.D1414N:GAT>AAT; c.4240G>A (NM_000393.4); short protein forms D1414N.
Identifiers: ClinVar variation 213127 (VCV000213127.52), dbSNP rs139229616, ClinGen allele CA320122.
Genomic context (GRCh38, chr2:189,035,029, plus strand): 5'-TGATATCTAAGTCATTTGCCCCTTTGAGAACCACAGCTTTTTTGAGGTTCTTAGCTTGAT[C>T]GTCCATGTATCCTACACTGTTTTTACAGATGTAAGTGATGTTCTGGGAGGCTTCTTTTGA-3'
Protein context (NP_000384.2, residues 1404-1424): ICKNSVGYMD[Asp1414Asn]QAKNLKKAVV